The following is an entry in ClinVar:

ClinVar aggregate classification (germline): Pathogenic (1 of 4 stars; one submission).

Conditions:
Neurofibromatosis, type 1 (NF1). Also called: Neurofibromatosis, type I; Peripheral type neurofibromatosis; VON RECKLINGHAUSEN DISEASE; NEUROFIBROMATOSIS, TYPE I, SOMATIC. Identifiers: Orphanet 636, MedGen C0027831, MONDO:0018975, OMIM 162200. Disease mechanism: loss of function.

Submission:

Labcorp Genetics (formerly Invitae), Labcorp
Classification: Pathogenic for Neurofibromatosis, type 1. Last evaluated: 2025-06-01. Review status: criteria provided, single submitter. Criteria: Invitae Variant Classification Sherloc (09022015). Collection method: clinical testing. Allele origin: germline.
Comment: This sequence change affects a donor splice site in intron 3 of the NF1 gene. RNA analysis indicates that disruption of this splice site induces altered splicing and likely results in a shortened protein product. This variant is not present in population databases (gnomAD no frequency). Disruption of this splice site has been observed in individual(s) with clinical features of NF1-related conditions (PMID: 18546366; internal data). In at least one individual the variant was observed to be de novo. ClinVar contains an entry for this variant (Variation ID: 2736494). Studies have shown that disruption of this splice site results in skipping of exon 3, but is expected to preserve the integrity of the reading-frame (internal data). For these reasons, this variant has been classified as Pathogenic.

Literature cited by the submitters: PubMed 18546366.

NM_001042492.3(NF1):c.288+2T>G

Gene: NF1 (neurofibromin 1; plus strand). Cytogenetic location: 17q11.2.
Variant type: single nucleotide variant.
Coding change: c.288+2T>G on transcript NM_001042492.3 (MANE Select); the canonical splice donor site of the intron after coding-DNA position 288, T replaced by G.
Molecular consequence: splice donor variant.
Genome position (GRCh38, 1-based): chr17:31,159,095, T>G. VCF-style: chr17-31159095-T-G. GRCh37 (hg19) VCF-style: chr17-29486113-T-G.
Other names: c.288+2T>G (NM_000267.4, NM_001128147.3).
Identifiers: ClinVar variation 2736494 (VCV002736494.3), dbSNP rs1555605406, ClinGen allele CA398989916.